The following is an entry in ClinVar:

ClinVar aggregate classification (germline): Benign/Likely benign. Review status: criteria provided, multiple submitters, no conflicts (2 of 4 stars). 10 submissions from 10 submitters: Benign (9); Likely benign (1). Last evaluated 2026-02-04.

Conditions:
Fanconi anemia (FA). Also called: Fanconi's anemia. Identifiers: Orphanet 84, MedGen C0015625, MeSH D005199, MONDO:0019391.
Fanconi anemia complementation group I (FANCI). Also called: FANCI-Related Fanconi Anemia. Identifiers: Orphanet 84, MedGen C1836861, MONDO:0012186, OMIM 609053.

Allele frequency attached by ClinVar (database versions not stated): ExAC 0.09467; gnomAD exomes 0.09942 and 0.08829; 1000 Genomes Project 0.05950; 1000 Genomes Project 30x 0.06043; TOPMed 0.06848; gnomAD 0.07245 and 0.07394; ESP Exome Variant Server 0.08293.
gnomAD v4.1: 150,005 of 1,551,466 alleles (9.7%); highest among the groups gnomAD compares: South Asian, 11%; 7,822 homozygotes.

Submissions (10):

Labcorp Genetics (formerly Invitae), Labcorp
Classification: Benign for Fanconi anemia. Last evaluated: 2026-02-04. Review status: criteria provided, single submitter. Criteria: Invitae Variant Classification Sherloc (09022015). Collection method: clinical testing. Allele origin: germline.

Mayo Clinic Laboratories, Mayo Clinic
Classification: Benign. Last evaluated: 2025-08-19. Review status: criteria provided, single submitter. Criteria: ACMG Guidelines, 2015. Collection method: clinical testing. Allele origin: germline. Observed: 9 variant alleles.

ARUP Laboratories, Molecular Genetics and Genomics, ARUP Laboratories
Classification: Benign for Fanconi anemia complementation group I. Last evaluated: 2025-07-28. Review status: criteria provided, single submitter. Criteria: ARUP Molecular Germline Variant Investigation Process 2024. Collection method: clinical testing. Allele origin: germline.

Blueprint Genetics
Classification: Likely benign. Last evaluated: 2024-11-27. Review status: criteria provided, single submitter. Criteria: ACMG Guidelines, 2015. Collection method: clinical testing. Allele origin: germline.

KCCC/NGS Laboratory, Kuwait Cancer Control Center
Classification: Benign for Fanconi anemia complementation group I. Last evaluated: 2023-07-07. Review status: criteria provided, single submitter. Criteria: ACMG Guidelines, 2015. Collection method: clinical testing. Allele origin: germline. Affected: yes.

Genome-Nilou Lab
Classification: Benign for Fanconi anemia complementation group I. Last evaluated: 2021-08-10. Review status: criteria provided, single submitter. Criteria: ACMG Guidelines, 2015. Collection method: clinical testing. Allele origin: germline. Affected: no.

GeneDx
Classification: Benign. Last evaluated: 2018-07-09. Review status: criteria provided, single submitter. Criteria: GeneDx Variant Classification Process June 2021. Collection method: clinical testing. Allele origin: germline. Affected: yes.

Illumina Laboratory Services, Illumina
Classification: Benign for Fanconi anemia complementation group I. Last evaluated: 2018-01-13. Review status: criteria provided, single submitter. Criteria: ICSL Variant Classification Criteria 13 December 2019. Collection method: clinical testing. Allele origin: germline.
Comment: This variant was observed in the ICSL laboratory as part of a predisposition screen in an ostensibly healthy population. It had not been previously curated by ICSL or reported in the Human Gene Mutation Database (HGMD: prior to June 1st, 2018), and was therefore a candidate for classification through an automated scoring system. Utilizing variant allele frequency, disease prevalence and penetrance estimates, and inheritance mode, an automated score was calculated to assess if this variant is too frequent to cause the disease. Based on the score and internal cut-off values, a variant classified as benign is not then subjected to further curation. The score for this variant resulted in a classification of benign for this disease.

Breakthrough Genomics
Classification: Benign. Review status: criteria provided, single submitter. Criteria: ACMG Guidelines, 2015. Collection method: not provided. Allele origin: germline. Inheritance: Autosomal recessive inheritance. Affected: yes.

PreventionGenetics, part of Exact Sciences
Classification: Benign. Review status: criteria provided, single submitter. Criteria: ACMG Guidelines, 2015. Collection method: clinical testing. Allele origin: germline.

NM_001113378.2(FANCI):c.2629A>T (p.Ile877Leu)

Gene: FANCI (FA complementation group I; plus strand). Cytogenetic location: 15q26.1.
Variant type: single nucleotide variant.
Coding change: c.2629A>T on transcript NM_001113378.2 (MANE Select); coding-DNA position 2629, A replaced by T.
Protein change: p.Ile877Leu; replaces isoleucine 877 with leucine.
Molecular consequence: missense variant. On other transcripts: intron variant (1).
Genome position (GRCh38, 1-based): chr15:89,295,087, A>T. VCF-style: chr15-89295087-A-T. GRCh37 (hg19) VCF-style: chr15-89838318-A-T.
Other names: p.Ile877Leu; c.2350A>T, p.Ile784Leu (NM_001376910.1); c.2629A>T, p.Ile877Leu (NM_001376911.1); c.2456+1090A>T (NM_018193.3); short protein forms I877L, I784L.
Identifiers: ClinVar variation 257485 (VCV000257485.31), dbSNP rs35875311, ClinGen allele CA7723413.